The following is an entry in ClinVar:

NM_002941.4(ROBO1):c.4155C>T (p.Ser1385=)

Gene: ROBO1 (roundabout guidance receptor 1; minus strand). Cytogenetic location: 3p12.3.
Variant type: single nucleotide variant.
Coding change: c.4155C>T on transcript NM_002941.4 (MANE Select); coding-DNA position 4155, C replaced by T.
Protein change: p.Ser1385=; no amino-acid change (serine 1385 retained).
Molecular consequence: synonymous variant.
Genome position (GRCh38, 1-based): chr3:78,617,762, G>A on the plus strand (C>T on the coding strand, the complement: ROBO1 is on the minus strand). VCF-style: chr3-78617762-G-A. GRCh37 (hg19) VCF-style: chr3-78666912-G-A.
Other names: c.3855C>T, p.Ser1285= (NM_001145845.2); c.4020C>T, p.Ser1340= (NM_133631.4).
Identifiers: ClinVar variation 722051 (VCV000722051.9), dbSNP rs536505138, ClinGen allele CA2498186.

ClinVar aggregate classification (germline): Likely benign. Review status: criteria provided, single submitter (1 of 4 stars). 2 submissions from 2 submitters: Likely benign (1). 1 of the submissions does not count toward it. Last evaluated 2023-06-06.

Conditions:
ROBO1-related disorder. Also called: ROBO1-related condition.

Allele frequency attached by ClinVar (database versions not stated): gnomAD 0.00005 and 0.00003; ExAC 0.00001; TOPMed 0.00002; gnomAD exomes 0.00002.
gnomAD v4.1: 66 of 1,613,780 alleles (0.0041%); highest among the groups gnomAD compares: African/African-American, 0.032%; no homozygotes.

Submissions (2):

Labcorp Genetics (formerly Invitae), Labcorp
Classification: Likely benign. Last evaluated: 2023-06-06. Review status: criteria provided, single submitter. Criteria: Invitae Variant Classification Sherloc (09022015). Collection method: clinical testing. Allele origin: germline.

PreventionGenetics, part of Exact Sciences
Classification: Likely benign for ROBO1-related condition. Last evaluated: 2019-09-06. Review status: no assertion criteria provided. Collection method: clinical testing. Allele origin: germline. Not counted in ClinVar's aggregate classification.
Comment: This variant is classified as likely benign based on ACMG/AMP sequence variant interpretation guidelines (Richards et al. 2015 PMID: 25741868, with internal and published modifications).